The following is an entry in ClinVar:

NM_000051.4(ATM):c.4675A>G (p.Ile1559Val)

Gene: ATM (ATM serine/threonine kinase; plus strand). Cytogenetic location: 11q22.3.
Variant type: single nucleotide variant.
Coding change: c.4675A>G on transcript NM_000051.4 (MANE Select); coding-DNA position 4675, A replaced by G.
Protein change: p.Ile1559Val; replaces isoleucine 1559 with valine.
Molecular consequence: missense variant.
Genome position (GRCh38, 1-based): chr11:108,293,376, A>G. VCF-style: chr11-108293376-A-G. GRCh37 (hg19) VCF-style: chr11-108164103-A-G.
Other names: c.4675A>G, p.Ile1559Val (NM_001351834.2); short protein forms I1559V.
Identifiers: ClinVar variation 1742349 (VCV001742349.4), dbSNP rs1172560882, ClinGen allele CA382534713.

ClinVar aggregate classification (germline): Uncertain significance. Review status: criteria provided, multiple submitters, no conflicts (2 of 4 stars). 2 submissions from 2 submitters: Uncertain significance (2). Last evaluated 2024-10-24.

Conditions:
Ataxia-telangiectasia syndrome (AT). Also called: LOUIS-BAR SYNDROME; Cerebello-oculocutaneous telangiectasia; Immunodeficiency with ataxia telangiectasia; Ataxia-telangiectasia, complementation group D; AT, COMPLEMENTATION GROUP C; ATAXIA-TELANGIECTASIA, COMPLEMENTATION GROUP A. Identifiers: Orphanet 100, MedGen C0004135, MONDO:0008840, OMIM 208900.
Hereditary cancer-predisposing syndrome. Also called: Neoplastic Syndromes, Hereditary; Tumor predisposition; Hereditary Cancer Syndrome; Hereditary neoplastic syndrome. Identifiers: Orphanet 140162, MedGen C0027672, MeSH D009386, MONDO:0015356.

Allele frequency attached by ClinVar (database versions not stated): TOPMed 0.00001.

Submissions (2):

Labcorp Genetics (formerly Invitae), Labcorp
Classification: Uncertain significance for Ataxia-telangiectasia syndrome. Last evaluated: 2024-10-24. Review status: criteria provided, single submitter. Criteria: Invitae Variant Classification Sherloc (09022015). Collection method: clinical testing. Allele origin: germline.
Comment: This sequence change replaces isoleucine, which is neutral and non-polar, with valine, which is neutral and non-polar, at codon 1559 of the ATM protein (p.Ile1559Val). This variant is not present in population databases (gnomAD no frequency). This variant has not been reported in the literature in individuals affected with ATM-related conditions. ClinVar contains an entry for this variant (Variation ID: 1742349). Invitae Evidence Modeling of protein sequence and biophysical properties (such as structural, functional, and spatial information, amino acid conservation, physicochemical variation, residue mobility, and thermodynamic stability) indicates that this missense variant is not expected to disrupt ATM protein function with a negative predictive value of 95%. In summary, the available evidence is currently insufficient to determine the role of this variant in disease. Therefore, it has been classified as a Variant of Uncertain Significance.

Ambry Genetics
Classification: Uncertain significance for Hereditary cancer-predisposing syndrome. Last evaluated: 2021-10-19. Review status: criteria provided, single submitter. Criteria: Ambry Variant Classification Scheme 2023. Collection method: clinical testing. Allele origin: germline.
Comment: The p.I1559V variant (also known as c.4675A>G), located in coding exon 30 of the ATM gene, results from an A to G substitution at nucleotide position 4675. The isoleucine at codon 1559 is replaced by valine, an amino acid with highly similar properties. This amino acid position is conserved. In addition, this alteration is predicted to be tolerated by in silico analysis. Since supporting evidence is limited at this time, the clinical significance of this alteration remains unclear.